The following is an entry in ClinVar:

ClinVar aggregate classification (germline): Uncertain significance (1 of 4 stars; one submission).

Conditions:
Ataxia-telangiectasia-like disorder (ATLD). Identifiers: MedGen C1858391, MONDO:0011457.

Submission:

Labcorp Genetics (formerly Invitae), Labcorp
Classification: Uncertain significance for Ataxia-telangiectasia-like disorder. Last evaluated: 2024-04-29. Review status: criteria provided, single submitter. Criteria: Invitae Variant Classification Sherloc (09022015). Collection method: clinical testing. Allele origin: germline.
Comment: This variant, c.1185_1187del, results in the deletion of 1 amino acid(s) of the MRE11 protein (p.Ile396del), but otherwise preserves the integrity of the reading frame. This variant is not present in population databases (gnomAD no frequency). This variant has not been reported in the literature in individuals affected with MRE11-related conditions. ClinVar contains an entry for this variant (Variation ID: 2180761). Experimental studies and prediction algorithms are not available or were not evaluated, and the functional significance of this variant is currently unknown. In summary, the available evidence is currently insufficient to determine the role of this variant in disease. Therefore, it has been classified as a Variant of Uncertain Significance.

NM_005591.4(MRE11):c.1185_1187del (p.Ile396del)

Gene: MRE11 (MRE11 double strand break repair nuclease; minus strand). Cytogenetic location: 11q21.
Variant type: Deletion.
Coding change: c.1185_1187del on transcript NM_005591.4 (MANE Select); coding-DNA positions 1185 to 1187, 3 bases deleted (TAT; older notation c.1185_1187delTAT).
Protein change: p.Ile396del; deletes isoleucine 396.
Molecular consequence: inframe deletion.
Genome position (GRCh38, 1-based): chr11:94,464,151-94,464,153, ATA deleted on the plus strand (TAT on the coding strand, the reverse complement: MRE11 is on the minus strand); deleting any 3 consecutive bases within chr11:94,464,151-94,464,155 gives the same sequence; the c. name uses the placement nearest the transcript's 3' end. VCF-style (leftmost placement, unchanged base first): chr11-94464150-GATA-G. GRCh37 (hg19) VCF-style: chr11-94197316-GATA-G.
Other names: c.1185_1187del, p.Ile396del (NM_001330347.2, NM_005590.4); short protein forms I396del.
Identifiers: ClinVar variation 2180761 (VCV002180761.4), dbSNP rs2496426344, ClinGen allele CA2580085073.